The following is an entry in ClinVar:

NM_030973.4(MED25):c.520G>A (p.Gly174Arg)

Gene: MED25 (mediator complex subunit 25; plus strand). Cytogenetic location: 19q13.33.
Variant type: single nucleotide variant.
Coding change: c.520G>A on transcript NM_030973.4 (MANE Select); coding-DNA position 520, G replaced by A.
Protein change: p.Gly174Arg; replaces glycine 174 with arginine.
Molecular consequence: missense variant.
Genome position (GRCh38, 1-based): chr19:49,829,085, G>A. VCF-style: chr19-49829085-G-A. GRCh37 (hg19) VCF-style: chr19-50332342-G-A.
Other names: c.520G>A, p.Gly174Arg (NM_001378355.1); short protein forms G174R.
Identifiers: ClinVar variation 2196402 (VCV002196402.4), dbSNP rs748175180, ClinGen allele CA406912388.
Genomic context (GRCh38, chr19:49,829,085, plus strand): 5'-CCTGCTGTTGAGAGCACCACGTACTCTGGATGCACAACTGAGAATCTTGTGCAGCAGATT[G>A]GGGAGGTGAGGACTCCAGGGTCTGAGGGACGAGGGTCTGGGGGCCCGGAGTCTTGGGTCT-3'
Protein context (NP_112235.2, residues 164-184): CTTENLVQQI[Gly174Arg]ERGIHFSIVS

ClinVar aggregate classification (germline): Uncertain significance (1 of 4 stars; one submission).

Conditions:
Charcot-Marie-Tooth disease type 2. Also called: Charcot-Marie-Tooth type 2. Identifiers: Orphanet 64746, MedGen C0270914, MONDO:0018993.

Submission:

Labcorp Genetics (formerly Invitae), Labcorp
Classification: Uncertain significance for Charcot-Marie-Tooth disease type 2. Last evaluated: 2024-01-17. Review status: criteria provided, single submitter. Criteria: Invitae Variant Classification Sherloc (09022015). Collection method: clinical testing. Allele origin: germline.
Comment: This sequence change replaces glycine, which is neutral and non-polar, with arginine, which is basic and polar, at codon 174 of the MED25 protein (p.Gly174Arg). This variant is not present in population databases (gnomAD no frequency). This variant has not been reported in the literature in individuals affected with MED25-related conditions. ClinVar contains an entry for this variant (Variation ID: 2196402). An algorithm developed to predict the effect of missense changes on protein structure and function (PolyPhen-2) suggests that this variant is likely to be disruptive. In summary, the available evidence is currently insufficient to determine the role of this variant in disease. Therefore, it has been classified as a Variant of Uncertain Significance.